The following is an entry in ClinVar:

NM_000143.4(FH):c.1327G>T (p.Glu443Ter)

Gene: FH (fumarate hydratase; minus strand). Cytogenetic location: 1q43.
Variant type: single nucleotide variant.
Coding change: c.1327G>T on transcript NM_000143.4 (MANE Select); coding-DNA position 1327, G replaced by T.
Protein change: p.Glu443Ter; replaces glutamic acid 443 with a stop codon.
Molecular consequence: nonsense.
Genome position (GRCh38, 1-based): chr1:241,500,500, C>A on the plus strand (G>T on the coding strand, the complement: FH is on the minus strand). VCF-style: chr1-241500500-C-A. GRCh37 (hg19) VCF-style: chr1-241663800-C-A.
Other names: short protein forms E443*.
Identifiers: ClinVar variation 214385 (VCV000214385.10), dbSNP rs1553340687, ClinGen allele CA322853.

ClinVar aggregate classification (germline): Pathogenic. Review status: criteria provided, multiple submitters, no conflicts (2 of 4 stars). 2 submissions from 2 submitters: Pathogenic (2). Last evaluated 2024-12-25.

Conditions:
Hereditary cancer-predisposing syndrome. Also called: Hereditary neoplastic syndrome; Neoplastic Syndromes, Hereditary; Tumor predisposition; Hereditary Cancer Syndrome. Identifiers: Orphanet 140162, MedGen C0027672, MeSH D009386, MONDO:0015356.

Submissions (2):

Labcorp Genetics (formerly Invitae), Labcorp
Classification: Pathogenic. Last evaluated: 2024-12-25. Review status: criteria provided, single submitter. Criteria: Invitae Variant Classification Sherloc (09022015). Collection method: clinical testing. Allele origin: germline.
Comment: This sequence change creates a premature translational stop signal (p.Glu443*) in the FH gene. It is expected to result in an absent or disrupted protein product. Loss-of-function variants in FH are known to be pathogenic (PMID: 11865300, 21398687). This variant is not present in population databases (gnomAD no frequency). This variant has not been reported in the literature in individuals affected with FH-related conditions. ClinVar contains an entry for this variant (Variation ID: 214385). For these reasons, this variant has been classified as Pathogenic.

Ambry Genetics
Classification: Pathogenic for Hereditary cancer-predisposing syndrome. Last evaluated: 2024-05-08. Review status: criteria provided, single submitter. Criteria: Ambry Variant Classification Scheme 2023. Collection method: clinical testing. Allele origin: germline.
Comment: The p.E443* pathogenic mutation (also known as c.1327G>T), located in coding exon 9 of the FH gene, results from a G to T substitution at nucleotide position 1327. This changes the amino acid from a glutamic acid to a stop codon within coding exon 9. This alteration is expected to result in loss of function by premature protein truncation or nonsense-mediated mRNA decay. As such, this alteration is interpreted as a disease-causing mutation.

Literature cited by the submitters: PubMed 11865300 (cited by Labcorp Genetics (formerly Invitae), Labcorp); PubMed 21398687 (cited by Labcorp Genetics (formerly Invitae), Labcorp).